The following is an entry in ClinVar:

NM_005751.5(AKAP9):c.9161C>T (p.Thr3054Ile)

Gene: AKAP9 (A-kinase anchoring protein 9; plus strand). Cytogenetic location: 7q21.2.
Variant type: single nucleotide variant.
Coding change: c.9161C>T on transcript NM_005751.5 (MANE Select); coding-DNA position 9161, C replaced by T.
Protein change: p.Thr3054Ile; replaces threonine 3054 with isoleucine.
Molecular consequence: missense variant.
Genome position (GRCh38, 1-based): chr7:92,086,364, C>T. VCF-style: chr7-92086364-C-T. GRCh37 (hg19) VCF-style: chr7-91715678-C-T.
Other names: c.3806C>T, p.Thr1269Ile (NM_001379277.1); c.9137C>T, p.Thr3046Ile (NM_147185.3); short protein forms T1269I, T3046I, T3054I.
Identifiers: ClinVar variation 1766013 (VCV001766013.2), dbSNP rs2535269719, ClinGen allele CA368143969.
Genomic context (GRCh38, chr7:92,086,364, plus strand): 5'-TCTTAGAAGAGCGTAGTGTTTTACTAGCAGCATTTCGGACGGAGCTGACAGCTCTAGGTA[C>T]TACAGATGCAGTTGGTTTACTAAACTGTTTGGAACAGAGAATACAAGAACAGGTATAATG-3'
Protein context (NP_005742.4, residues 3044-3064): AFRTELTALG[Thr3054Ile]TDAVGLLNCL

ClinVar aggregate classification (germline): Uncertain significance (1 of 4 stars; one submission).

Conditions:
Cardiovascular phenotype. Identifiers: MedGen CN230736.

Submission:

Ambry Genetics
Classification: Uncertain significance for Cardiovascular phenotype. Last evaluated: 2022-02-07. Review status: criteria provided, single submitter. Criteria: Ambry Variant Classification Scheme 2023. Collection method: clinical testing. Allele origin: germline.
Comment: The p.T3054I variant (also known as c.9161C>T), located in coding exon 37 of the AKAP9 gene, results from a C to T substitution at nucleotide position 9161. The threonine at codon 3054 is replaced by isoleucine, an amino acid with similar properties. This amino acid position is conserved. In addition, this alteration is predicted to be tolerated by in silico analysis. Since supporting evidence is limited at this time, the clinical significance of this alteration remains unclear.